The following is an entry in ClinVar:

NM_033100.4(CDHR1):c.2504C>G (p.Pro835Arg)

Gene: CDHR1 (cadherin related family member 1; plus strand). Cytogenetic location: 10q23.1.
Variant type: single nucleotide variant.
Coding change: c.2504C>G on transcript NM_033100.4 (MANE Select); coding-DNA position 2504, C replaced by G.
Protein change: p.Pro835Arg; replaces proline 835 with arginine.
Molecular consequence: missense variant. On other transcripts: intron variant (1).
Genome position (GRCh38, 1-based): chr10:84,214,545, C>G. VCF-style: chr10-84214545-C-G. GRCh37 (hg19) VCF-style: chr10-85974301-C-G.
Other names: c.2040+1197C>G (NM_001171971.3); short protein forms P835R.
Identifiers: ClinVar variation 2002032 (VCV002002032.4), dbSNP rs2492551729, ClinGen allele CA377380216.
Genomic context (GRCh38, chr10:84,214,545, plus strand): 5'-CTGGCTCTCTCACTCCGCAGCCGACCCAACCCCCGCCAAAACCCAAAACTATGGGAAGCC[C>G]CGTCCAGTCAACTCTGATCTCTGAGCTCAAGCAAAAGTTTGAGAAGAAGAGTGTGCACAA-3'
Protein context (NP_149091.1, residues 825-845): PPPKPKTMGS[Pro835Arg]VQSTLISELK

ClinVar aggregate classification (germline): Uncertain significance (1 of 4 stars; one submission).

Submission:

Labcorp Genetics (formerly Invitae), Labcorp
Classification: Uncertain significance. Last evaluated: 2024-11-05. Review status: criteria provided, single submitter. Criteria: Invitae Variant Classification Sherloc (09022015). Collection method: clinical testing. Allele origin: germline.
Comment: This sequence change replaces proline, which is neutral and non-polar, with arginine, which is basic and polar, at codon 835 of the CDHR1 protein (p.Pro835Arg). This variant is not present in population databases (gnomAD no frequency). This variant has not been reported in the literature in individuals affected with CDHR1-related conditions. ClinVar contains an entry for this variant (Variation ID: 2002032). Invitae Evidence Modeling of protein sequence and biophysical properties (such as structural, functional, and spatial information, amino acid conservation, physicochemical variation, residue mobility, and thermodynamic stability) indicates that this missense variant is not expected to disrupt CDHR1 protein function with a negative predictive value of 95%. In summary, the available evidence is currently insufficient to determine the role of this variant in disease. Therefore, it has been classified as a Variant of Uncertain Significance.